The following is an entry in ClinVar:

NM_001846.4(COL4A2):c.2110C>T (p.Arg704Ter)

Gene: COL4A2 (collagen type IV alpha 2 chain; plus strand). Cytogenetic location: 13q34.
Variant type: single nucleotide variant.
Coding change: c.2110C>T on transcript NM_001846.4 (MANE Select); coding-DNA position 2110, C replaced by T.
Protein change: p.Arg704Ter; replaces arginine 704 with a stop codon.
Molecular consequence: nonsense.
Genome position (GRCh38, 1-based): chr13:110,469,231, C>T. VCF-style: chr13-110469231-C-T. GRCh37 (hg19) VCF-style: chr13-111121578-C-T.
Other names: short protein forms R704*.
Identifiers: ClinVar variation 4754907 (VCV004754907.1).
Genomic context (GRCh38, chr13:110,469,231, plus strand): 5'-ATCCTCGTGGAGCCTGATGTGGTTTGTGGTTTATTTGGTTATTTAGGTGCCAAAGGCCTC[C>T]GAGGAATCCCAGGCTTCGCAGGAGCTGATGGAGGACCAGGGCCCAGGGGCTTGCCAGGAG-3'

ClinVar aggregate classification (germline): Pathogenic (1 of 4 stars; one submission).

gnomAD v4.1: 46 of 1,596,782 alleles (0.0029%); highest among the groups gnomAD compares: Non-Finnish European, 0.0036%; no homozygotes.

Submission:

Labcorp Genetics (formerly Invitae), Labcorp
Classification: Pathogenic. Last evaluated: 2025-03-15. Review status: criteria provided, single submitter. Criteria: Invitae Variant Classification Sherloc (09022015). Collection method: clinical testing. Allele origin: germline.
Comment: This sequence change creates a premature translational stop signal (p.Arg704*) in the COL4A2 gene. It is expected to result in an absent or disrupted protein product. Loss-of-function variants in COL4A2 are known to be pathogenic (PMID: 22333902, 30315939). The frequency data for this variant in the population databases is considered unreliable, as metrics indicate poor data quality at this position in the gnomAD database. This variant has not been reported in the literature in individuals affected with COL4A2-related conditions. For these reasons, this variant has been classified as Pathogenic.

Literature cited by the submitters: PubMed 22333902; PubMed 30315939.